The following is an entry in ClinVar:

ClinVar aggregate classification (germline): Uncertain significance (1 of 4 stars; one submission).

Conditions:
Peroxisome biogenesis disorder, complementation group 7 (CG7). Also called: Peroxisome biogenesis disorder, complementation group B. Identifiers: MedGen C1864399.

gnomAD v4.1: 6 of 1,612,766 alleles (0.00037%); highest among the groups gnomAD compares: East Asian, 0.0045%; no homozygotes.

Submission:

Labcorp Genetics (formerly Invitae), Labcorp
Classification: Uncertain significance for Peroxisome biogenesis disorder, complementation group 7. Last evaluated: 2025-08-18. Review status: criteria provided, single submitter. Criteria: Invitae Variant Classification Sherloc (09022015). Collection method: clinical testing. Allele origin: germline.
Comment: This sequence change affects codon 200 of the PEX10 mRNA. It is a 'silent' change, meaning that it does not change the encoded amino acid sequence of the PEX10 protein. It affects a nucleotide within the consensus splice site. This variant is present in population databases (no rsID available, gnomAD 0.0009%). This variant has not been reported in the literature in individuals affected with PEX10-related conditions. ClinVar contains an entry for this variant (Variation ID: 2166306). Algorithms developed to predict the effect of sequence changes on RNA splicing suggest that this variant is not likely to affect RNA splicing. In summary, the available evidence is currently insufficient to determine the role of this variant in disease. Therefore, it has been classified as a Variant of Uncertain Significance.

NM_002617.4(PEX10):c.600C>T (p.Tyr200=)

Gene: PEX10 (peroxisomal biogenesis factor 10; minus strand). Cytogenetic location: 1p36.32.
Variant type: single nucleotide variant.
Coding change: c.600C>T on transcript NM_002617.4 (MANE Select); coding-DNA position 600, C replaced by T.
Protein change: p.Tyr200=; no amino-acid change (tyrosine 200 retained).
Molecular consequence: synonymous variant.
Genome position (GRCh38, 1-based): chr1:2,408,452, G>A on the plus strand (C>T on the coding strand, the complement: PEX10 is on the minus strand). VCF-style: chr1-2408452-G-A. GRCh37 (hg19) VCF-style: chr1-2339891-G-A.
Other names: c.600C>T, p.Tyr200= (NM_001374425.1, NM_153818.2); c.168C>T, p.Tyr56= (NM_001374426.1, NM_001374427.1).
Identifiers: ClinVar variation 2166306 (VCV002166306.3), dbSNP rs1169822437, ClinGen allele CA415775513.
Genomic context (GRCh38, chr1:2,408,452, plus strand): 5'-AGTCCAGTGGGGGTGACAAGGACGGCCTAAGCAGCTGTGCCCTCAGCGCCTGCTACTTAC[G>A]TACGTGATCCCCGTGAGCCTCTTGGCCAGGTGGTAGAAGACACCGTGGATGTAAAACCAG-3'
Protein context (NP_002608.1, residues 190-210): HLAKRLTGIT[Tyr200=]LRVRSLPGED